The following is an entry in ClinVar:

NM_000273.3(GPR143):c.461del (p.Ile154fs)

Gene: GPR143 (G protein-coupled receptor 143; minus strand). Cytogenetic location: Xp22.2.
Variant type: Deletion.
Coding change: c.461del on transcript NM_000273.3 (MANE Select); coding-DNA position 461, one base deleted (T; older notation c.461delT).
Protein change: p.Ile154fs; shifts the reading frame from isoleucine 154.
Molecular consequence: frameshift variant.
Genome position (GRCh38, 1-based): chrX:9,748,661, A deleted on the plus strand (T on the coding strand, the reverse complement: GPR143 is on the minus strand). VCF-style (leftmost placement, unchanged base first): chrX-9748660-GA-G. GRCh37 (hg19) VCF-style: chrX-9716700-GA-G.
Other names: c.461delT (NM_000273.2); c.461del (NM_000273.2); short protein forms I154fs.
Identifiers: ClinVar variation 817370 (VCV000817370.7), dbSNP rs1601880424, ClinGen allele CA915952770.

ClinVar aggregate classification (germline): Pathogenic. Review status: criteria provided, multiple submitters, no conflicts (2 of 4 stars). 2 submissions from 2 submitters: Pathogenic (2). Last evaluated 2025-07-22.

Submissions (2):

GeneDx
Classification: Pathogenic. Last evaluated: 2025-07-22. Review status: criteria provided, single submitter. Criteria: GeneDx Variant Classification Process June 2021. Collection method: clinical testing. Allele origin: germline. Affected: yes.
Comment: Frameshift variant predicted to result in protein truncation or nonsense mediated decay in a gene for which loss of function is a known mechanism of disease; Not observed at significant frequency in large population cohorts (gnomAD); This variant is associated with the following publications: (PMID: 29847651)

Labcorp Genetics (formerly Invitae), Labcorp
Classification: Pathogenic. Last evaluated: 2023-11-24. Review status: criteria provided, single submitter. Criteria: Invitae Variant Classification Sherloc (09022015). Collection method: clinical testing. Allele origin: germline.
Comment: This sequence change creates a premature translational stop signal (p.Ile154Thrfs*64) in the GPR143 gene. It is expected to result in an absent or disrupted protein product. Loss-of-function variants in GPR143 are known to be pathogenic (PMID: 15965158, 18978956, 19390656, 21541274, 26160353, 28211458). This variant is not present in population databases (gnomAD no frequency). This premature translational stop signal has been observed in individual(s) with ocular albinism (PMID: 29847651). ClinVar contains an entry for this variant (Variation ID: 817370). For these reasons, this variant has been classified as Pathogenic.

Literature cited by the submitters: PubMed 15965158 (cited by Labcorp Genetics (formerly Invitae), Labcorp); PubMed 18978956 (cited by Labcorp Genetics (formerly Invitae), Labcorp); PubMed 19390656 (cited by Labcorp Genetics (formerly Invitae), Labcorp); PubMed 21541274 (cited by Labcorp Genetics (formerly Invitae), Labcorp); PubMed 26160353 (cited by Labcorp Genetics (formerly Invitae), Labcorp); PubMed 28211458 (cited by Labcorp Genetics (formerly Invitae), Labcorp); PubMed 29847651 (cited by Labcorp Genetics (formerly Invitae), Labcorp).